The following is an entry in ClinVar:

ClinVar aggregate classification (germline): Conflicting classifications of pathogenicity. Review status: criteria provided, conflicting classifications (1 of 4 stars). 2 submissions from 2 submitters: Likely pathogenic (1); Uncertain significance (1). Last evaluated 2024-07-01.

Conditions:
PSAT deficiency. Identifiers: Orphanet 284417, MedGen C1970253, MONDO:0012596, OMIM 610992.
Neu-Laxova syndrome 2. Identifiers: Orphanet 2671, Orphanet 583602, MedGen C4015019, MONDO:0014466, OMIM 616038.

Allele frequency attached by ClinVar (database versions not stated): gnomAD exomes below 0.00001.
gnomAD v4.1: 2 of 1,344,272 alleles (0.00015%); highest among the groups gnomAD compares: Admixed American, 0.0018%; no homozygotes.

Submissions (2):

Labcorp Genetics (formerly Invitae), Labcorp
Classification: Uncertain significance for Neu-Laxova syndrome 2. Last evaluated: 2024-07-01. Review status: criteria provided, single submitter. Criteria: Invitae Variant Classification Sherloc (09022015). Collection method: clinical testing. Allele origin: germline.
Comment: This sequence change falls in intron 2 of the PSAT1 gene. It does not directly change the encoded amino acid sequence of the PSAT1 protein. It affects a nucleotide within the consensus splice site. This variant is present in population databases (no rsID available, gnomAD 0.003%). This variant has not been reported in the literature in individuals affected with PSAT1-related conditions. ClinVar contains an entry for this variant (Variation ID: 802488). Variants that disrupt the consensus splice site are a relatively common cause of aberrant splicing (PMID: 17576681, 9536098). Algorithms developed to predict the effect of sequence changes on RNA splicing suggest that this variant may disrupt the consensus splice site. In summary, the available evidence is currently insufficient to determine the role of this variant in disease. Therefore, it has been classified as a Variant of Uncertain Significance.

Mendelics
Classification: Likely pathogenic for PSAT deficiency. Last evaluated: 2019-05-28. Review status: criteria provided, single submitter. Criteria: Mendelics Assertion Criteria 2017. Collection method: clinical testing. Allele origin: unknown.

Literature cited by the submitters: PubMed 17576681 (cited by Labcorp Genetics (formerly Invitae), Labcorp); PubMed 9536098 (cited by Labcorp Genetics (formerly Invitae), Labcorp).

NM_058179.4(PSAT1):c.121+5G>A

Gene: PSAT1 (phosphoserine aminotransferase 1; plus strand). Cytogenetic location: 9q21.2.
Variant type: single nucleotide variant.
Coding change: c.121+5G>A on transcript NM_058179.4 (MANE Select); 5 bases into the intron after coding-DNA position 121, G replaced by A.
Molecular consequence: intron variant.
Genome position (GRCh38, 1-based): chr9:78,300,667, G>A. VCF-style: chr9-78300667-G-A. GRCh37 (hg19) VCF-style: chr9-80915583-G-A.
Other names: c.121+5G>A (NM_021154.5).
Identifiers: ClinVar variation 802488 (VCV000802488.6), dbSNP rs372232840, ClinGen allele CA588662309.
Genomic context (GRCh38, chr9:78,300,667, plus strand): 5'-GTTAGAGATACAAAAGGAATTATTAGACTACAAAGGAGTTGGCATTAGTGTTCTTGGTAA[G>A]ATTTACTTTTGAATTCTGTGAATGTCCATGTTTCAAAGGAAGCTTTTTTTTTTTTTTTTT-3'